The following is an entry in ClinVar:

NM_001197104.2(KMT2A):c.8108A>G (p.His2703Arg)

Gene: KMT2A (lysine methyltransferase 2A; plus strand). Cytogenetic location: 11q23.3.
Variant type: single nucleotide variant.
Coding change: c.8108A>G on transcript NM_001197104.2 (MANE Select); coding-DNA position 8108, A replaced by G.
Protein change: p.His2703Arg; replaces histidine 2703 with arginine.
Molecular consequence: missense variant.
Genome position (GRCh38, 1-based): chr11:118,504,000, A>G. VCF-style: chr11-118504000-A-G. GRCh37 (hg19) VCF-style: chr11-118374715-A-G.
Other names: c.8198A>G, p.His2733Arg (NM_001412597.1); c.8099A>G, p.His2700Arg (NM_005933.4); short protein forms H2703R, H2733R, H2700R.
Identifiers: ClinVar variation 1945317 (VCV001945317.13), dbSNP rs1555047011, ClinGen allele CA382808696.

ClinVar aggregate classification (germline): Conflicting classifications of pathogenicity. Review status: criteria provided, conflicting classifications (1 of 4 stars). 3 submissions from 3 submitters: Uncertain significance (1); Likely benign (2). Last evaluated 2025-11-03.

Conditions:
Inborn genetic diseases. Identifiers: MedGen C0950123, MeSH D030342.

Allele frequency attached by ClinVar (database versions not stated): gnomAD exomes 0.00001; TOPMed 0.00001; gnomAD 0.00002.
gnomAD v4.1: 8 of 1,614,110 alleles (0.0005%); highest among the groups gnomAD compares: Admixed American, 0.012%; no homozygotes.

Submissions (3):

Labcorp Genetics (formerly Invitae), Labcorp
Classification: Uncertain significance. Last evaluated: 2025-11-03. Review status: criteria provided, single submitter. Criteria: Invitae Variant Classification Sherloc (09022015). Collection method: clinical testing. Allele origin: germline.
Comment: This sequence change replaces histidine, which is basic and polar, with arginine, which is basic and polar, at codon 2703 of the KMT2A protein (p.His2703Arg). This variant is present in population databases (no rsID available, gnomAD 0.006%). This variant has not been reported in the literature in individuals affected with KMT2A-related conditions. ClinVar contains an entry for this variant (Variation ID: 1945317). Invitae Evidence Modeling of protein sequence and biophysical properties (such as structural, functional, and spatial information, amino acid conservation, physicochemical variation, residue mobility, and thermodynamic stability) indicates that this missense variant is not expected to disrupt KMT2A protein function with a negative predictive value of 95%. In summary, the available evidence is currently insufficient to determine the role of this variant in disease. Therefore, it has been classified as a Variant of Uncertain Significance.

Ambry Genetics
Classification: Likely benign for Inborn genetic diseases. Last evaluated: 2025-08-21. Review status: criteria provided, single submitter. Criteria: Ambry Variant Classification Scheme 2023. Collection method: clinical testing. Allele origin: germline.

CeGaT Center for Human Genetics Tuebingen
Classification: Likely benign. Last evaluated: 2025-03-01. Review status: criteria provided, single submitter. Criteria: CeGaT Center For Human Genetics Tuebingen Variant Classification Criteria Version 2. Collection method: clinical testing. Allele origin: germline. Affected: yes. Observed: 1 variant allele.
Comment: KMT2A: BP4